The following is an entry in ClinVar:

ClinVar aggregate classification (germline): Uncertain significance (1 of 4 stars; one submission).

Submission:

Women's Health and Genetics/Laboratory Corporation of America, LabCorp
Classification: Uncertain significance. Last evaluated: 2025-03-05. Review status: criteria provided, single submitter. Criteria: LabCorp Variant Classification Summary - May 2015. Collection method: clinical testing. Allele origin: germline.
Comment: Variant summary: HIVEP2 c.3823A>G (p.Lys1275Glu) results in a conservative amino acid change in the encoded protein sequence. Four of five in-silico tools predict a benign effect of the variant on protein function. The variant allele was found at a frequency of 4e-06 in 249586 control chromosomes. The available data on variant occurrences in the general population are insufficient to allow any conclusion about variant significance. To our knowledge, no occurrence of c.3823A>G in individuals affected with Intellectual Disability, Autosomal Dominant 43 and no experimental evidence demonstrating its impact on protein function have been reported. No submitters have cited clinical-significance assessments for this variant to ClinVar. Based on the evidence outlined above, the variant was classified as uncertain significance.

NM_006734.4(HIVEP2):c.3823A>G (p.Lys1275Glu)

Gene: HIVEP2 (HIVEP zinc finger 2; minus strand). Cytogenetic location: 6q24.2.
Variant type: single nucleotide variant.
Coding change: c.3823A>G on transcript NM_006734.4 (MANE Select); coding-DNA position 3823, A replaced by G.
Protein change: p.Lys1275Glu; replaces lysine 1275 with glutamic acid.
Molecular consequence: missense variant.
Genome position (GRCh38, 1-based): chr6:142,770,916, T>C on the plus strand (A>G on the coding strand, the complement: HIVEP2 is on the minus strand). VCF-style: chr6-142770916-T-C. GRCh37 (hg19) VCF-style: chr6-143092053-T-C.
Other names: short protein forms K1275E.
Identifiers: ClinVar variation 3895826 (VCV003895826.1).